The following is an entry in ClinVar:

NM_000934.4(SERPINF2):c.103-2A>G

Gene: SERPINF2 (serpin family F member 2; plus strand). Cytogenetic location: 17p13.3.
Variant type: single nucleotide variant.
Coding change: c.103-2A>G on transcript NM_000934.4 (MANE Select); the canonical splice acceptor site of the intron before coding-DNA position 103, A replaced by G.
Molecular consequence: splice acceptor variant.
Genome position (GRCh38, 1-based): chr17:1,745,331, A>G. VCF-style: chr17-1745331-A-G. GRCh37 (hg19) VCF-style: chr17-1648625-A-G.
Other names: c.103-2A>G (NM_001165921.2, NM_001165920.1).
Identifiers: ClinVar variation 2050407 (VCV002050407.1), dbSNP rs200885603, ClinGen allele CA8274077.

ClinVar aggregate classification (germline): Likely pathogenic (1 of 4 stars; one submission).

Allele frequency attached by ClinVar (database versions not stated): gnomAD exomes below 0.00001; ExAC 0.00001; gnomAD 0.00001; TOPMed 0.00001; 1000 Genomes Project 30x 0.00016; 1000 Genomes Project 0.00020.

Submission:

Labcorp Genetics (formerly Invitae), Labcorp
Classification: Likely pathogenic. Last evaluated: 2022-07-05. Review status: criteria provided, single submitter. Criteria: Invitae Variant Classification Sherloc (09022015). Collection method: clinical testing. Allele origin: germline.
Comment: This sequence change affects an acceptor splice site in intron 3 of the SERPINF2 gene. It is expected to disrupt RNA splicing. Variants that disrupt the donor or acceptor splice site typically lead to a loss of protein function (PMID: 16199547), and loss-of-function variants in SERPINF2 are known to be pathogenic (PMID: 29656168, 31441040). This variant is present in population databases (rs200885603, gnomAD 0.006%). This variant has not been reported in the literature in individuals affected with SERPINF2-related conditions. Algorithms developed to predict the effect of sequence changes on RNA splicing suggest that this variant may disrupt the consensus splice site. In summary, the currently available evidence indicates that the variant is pathogenic, but additional data are needed to prove that conclusively. Therefore, this variant has been classified as Likely Pathogenic.

Literature cited by the submitters: PubMed 16199547; PubMed 29656168; PubMed 31441040.